The following is an entry in ClinVar:

NM_001365276.2(TNXB):c.7826-7A>G

Gene: TNXB (tenascin XB; minus strand). Cytogenetic location: 6p21.33.
Variant type: single nucleotide variant.
Coding change: c.7826-7A>G on transcript NM_001365276.2 (MANE Select); 7 bases into the intron before coding-DNA position 7826, A replaced by G.
Molecular consequence: intron variant.
Genome position (GRCh38, 1-based): chr6:32,056,910, T>C on the plus strand (A>G on the coding strand, the complement: TNXB is on the minus strand). VCF-style: chr6-32056910-T-C. GRCh37 (hg19) VCF-style: chr6-32024687-T-C.
Other names: p.?; c.7826-7A>G (NM_019105.8); c.8567-7A>G (NM_001428335.1).
Identifiers: ClinVar variation 3379668 (VCV003379668.2).
Genomic context (GRCh38, chr6:32,056,910, plus strand): 5'-TGGGGGGCTCAGGGGTCATGGTAGGCACTGCTTGGGTGGTCTCGGCTTCATCCTCTGGAG[T>C]TGGACAGACACGTGTGGGGACAGTGAGGTCCCTGGCTCCTCAGTTCAGCATAGAAAGGAT-3'

ClinVar aggregate classification (germline): Uncertain significance (1 of 4 stars; one submission).

gnomAD v4.1: 23 of 1,610,120 alleles (0.0014%); highest among the groups gnomAD compares: Admixed American, 0.027%; 1 homozygote.

Submission:

Mayo Clinic Laboratories, Mayo Clinic
Classification: Uncertain significance. Last evaluated: 2025-08-06. Review status: criteria provided, single submitter. Criteria: ACMG Guidelines, 2015. Collection method: clinical testing. Allele origin: germline. Observed: 2 variant alleles.
Comment: PP3